The following is an entry in ClinVar:

ClinVar aggregate classification (germline): Likely benign. Review status: criteria provided, multiple submitters, no conflicts (2 of 4 stars). 2 submissions from 2 submitters: Likely benign (2). Last evaluated 2024-10-03.

Conditions:
Familial cancer of breast. Also called: Hereditary breast cancer; BREAST CANCER, FAMILIAL; hereditary breast carcinoma. Identifiers: Orphanet 227535, MedGen C0346153, MONDO:0016419, OMIM 114480. Disease mechanism: loss of function.

Submissions (2):

Myriad Genetics, Inc.
Classification: Likely benign for Familial cancer of breast. Last evaluated: 2024-10-03. Review status: criteria provided, single submitter. Criteria: Myriad Autosomal Dominant, Autosomal Recessive and X-Linked Classification Criteria (2023). Collection method: clinical testing. Allele origin: unknown.
Comment: This variant is considered likely benign. This variant is intronic and is not expected to impact mRNA splicing.

Labcorp Genetics (formerly Invitae), Labcorp
Classification: Likely benign for Familial cancer of breast. Last evaluated: 2023-07-08. Review status: criteria provided, single submitter. Criteria: Invitae Variant Classification Sherloc (09022015). Collection method: clinical testing. Allele origin: germline.

NM_007194.4(CHEK2):c.909-14_909-9del

Gene: CHEK2 (checkpoint kinase 2; minus strand). Cytogenetic location: 22q12.1.
Variant type: Deletion.
Coding change: c.909-14_909-9del on transcript NM_007194.4 (MANE Select); 14 bases into the intron before coding-DNA position 909 through 9 bases into the intron before coding-DNA position 909, 6 bases deleted (CCTTTG; older notation c.909-14_909-9delCCTTTG).
Molecular consequence: intron variant.
Genome position (GRCh38, 1-based): chr22:28,699,946-28,699,951, CAAAGG deleted on the plus strand (CCTTTG on the coding strand, the reverse complement: CHEK2 is on the minus strand); deleting any 6 consecutive bases within chr22:28,699,946-28,699,954 gives the same sequence; the c. name uses the placement nearest the transcript's 3' end. VCF-style (leftmost placement, unchanged base first): chr22-28699945-ACAAAGG-A. GRCh37 (hg19) VCF-style: chr22-29095933-ACAAAGG-A.
Other names: c.246-14_246-9del (NM_001437942.1, NM_001257387.3); c.708-14_708-9del (NM_001349956.3); c.909-14_909-9del (NM_145862.3); c.1002-14_1002-9del (NM_001438295.1, NM_001438293.1); c.1038-14_1038-9del (NM_001438294.1, NM_001005735.3).
Identifiers: ClinVar variation 2131371 (VCV002131371.5), dbSNP rs2517851883, ClinGen allele CA2580099604.
Genomic context (GRCh38, chr22:28,699,945, plus strand): 5'-CTTTCAGGCGTTTATTCCCCACCACTTTGTCAAACAGCTCTCCCCCTTCCATCCTGAAAC[ACAAAGG>A]CAAGGCAAGGGGTTCATTCCTGGGGGAAAACGCACTTGGACAGAAGACAATAAAACAACA-3'